The following is an entry in ClinVar:

NM_001010874.5(TECRL):c.779G>C (p.Cys260Ser)

Gene: TECRL (trans-2,3-enoyl-CoA reductase like; minus strand). Cytogenetic location: 4q13.1.
Variant type: single nucleotide variant.
Coding change: c.779G>C on transcript NM_001010874.5 (MANE Select); coding-DNA position 779, G replaced by C.
Protein change: p.Cys260Ser; replaces cysteine 260 with serine.
Molecular consequence: missense variant.
Genome position (GRCh38, 1-based): chr4:64,289,763, C>G on the plus strand (G>C on the coding strand, the complement: TECRL is on the minus strand). VCF-style: chr4-64289763-C-G. GRCh37 (hg19) VCF-style: chr4-65155481-C-G.
Other names: c.779G>C, p.Cys260Ser (NM_001363796.1); short protein forms C260S.
Identifiers: ClinVar variation 3325217 (VCV003325217.1).
Genomic context (GRCh38, chr4:64,289,763, plus strand): 5'-AACTAACCTGTGTGATTGGGATGAGACAACATTACATTGATGAAATGATTCCCAGCTTCA[C>G]AAATCTGCAAAACATTTTAAACACTTTCAGTGTGATACACCTCTGCCTATTTTTTAAAAA-3'
Protein context (NP_001010874.2, residues 250-270): ITVSAINFLI[Cys260Ser]EAGNHFINVM

ClinVar aggregate classification (germline): Uncertain significance (1 of 4 stars; one submission).

Conditions:
Cardiovascular phenotype. Identifiers: MedGen CN230736.

gnomAD v4.1: 1 of 1,547,768 alleles (0.000065%); highest among the groups gnomAD compares: East Asian, 0.0024%; no homozygotes.

Submission:

Ambry Genetics
Classification: Uncertain significance for Cardiovascular phenotype. Last evaluated: 2024-04-13. Review status: criteria provided, single submitter. Criteria: Ambry Variant Classification Scheme 2023. Collection method: clinical testing. Allele origin: germline.
Comment: The p.C260S variant (also known as c.779G>C), located in coding exon 9 of the TECRL gene, results from a G to C substitution at nucleotide position 779. The cysteine at codon 260 is replaced by serine, an amino acid with dissimilar properties. This amino acid position is conserved. In addition, this alteration is predicted to be tolerated by in silico analysis. Based on the available evidence, the clinical significance of this variant remains unclear.